The following is an entry in ClinVar:

NM_000795.4(DRD2):c.659G>A (p.Arg220His)

Gene: DRD2 (dopamine receptor D2; minus strand). Cytogenetic location: 11q23.2.
Variant type: single nucleotide variant.
Coding change: c.659G>A on transcript NM_000795.4 (MANE Select); coding-DNA position 659, G replaced by A.
Protein change: p.Arg220His; replaces arginine 220 with histidine.
Molecular consequence: missense variant.
Genome position (GRCh38, 1-based): chr11:113,415,485, C>T on the plus strand (G>A on the coding strand, the complement: DRD2 is on the minus strand). VCF-style: chr11-113415485-C-T. GRCh37 (hg19) VCF-style: chr11-113286207-C-T.
Other names: c.659G>A, p.Arg220His (NM_016574.4); short protein forms R220H.
Identifiers: ClinVar variation 3703463 (VCV003703463.2).

ClinVar aggregate classification (germline): Uncertain significance (1 of 4 stars; one submission).

Conditions:
Dystonic disorder. Also called: Dystonia. Identifiers: MedGen C0013421, MONDO:0003441, HP:0001332.

gnomAD v4.1: 28 of 1,614,038 alleles (0.0017%); highest among the groups gnomAD compares: Admixed American, 0.005%; no homozygotes.

Submission:

Labcorp Genetics (formerly Invitae), Labcorp
Classification: Uncertain significance for Dystonic disorder. Last evaluated: 2024-10-31. Review status: criteria provided, single submitter. Criteria: Invitae Variant Classification Sherloc (09022015). Collection method: clinical testing. Allele origin: germline.
Comment: This sequence change replaces arginine, which is basic and polar, with histidine, which is basic and polar, at codon 220 of the DRD2 protein (p.Arg220His). This variant is present in population databases (rs557036496, gnomAD 0.003%). This variant has not been reported in the literature in individuals affected with DRD2-related conditions. An algorithm developed to predict the effect of missense changes on protein structure and function (PolyPhen-2) suggests that this variant is likely to be disruptive. In summary, the available evidence is currently insufficient to determine the role of this variant in disease. Therefore, it has been classified as a Variant of Uncertain Significance.